The following is an entry in ClinVar:

NM_001042492.3(NF1):c.4874A>G (p.Tyr1625Cys)

Gene: NF1 (neurofibromin 1; plus strand). Cytogenetic location: 17q11.2.
Variant type: single nucleotide variant.
Coding change: c.4874A>G on transcript NM_001042492.3 (MANE Select); coding-DNA position 4874, A replaced by G.
Protein change: p.Tyr1625Cys; replaces tyrosine 1625 with cysteine.
Molecular consequence: missense variant.
Genome position (GRCh38, 1-based): chr17:31,325,858, A>G. VCF-style: chr17-31325858-A-G. GRCh37 (hg19) VCF-style: chr17-29652876-A-G.
Other names: c.4811A>G, p.Tyr1604Cys (NM_000267.4); short protein forms Y1604C, Y1625C.
Identifiers: ClinVar variation 3237804 (VCV003237804.1), dbSNP rs2151537607.

ClinVar aggregate classification (germline): Uncertain significance (1 of 4 stars; one submission).

Conditions:
Hereditary cancer-predisposing syndrome. Also called: Neoplastic Syndromes, Hereditary; Tumor predisposition; Hereditary neoplastic syndrome; Hereditary Cancer Syndrome. Identifiers: Orphanet 140162, MedGen C0027672, MeSH D009386, MONDO:0015356.
Cardiovascular phenotype. Identifiers: MedGen CN230736.

Submission:

Ambry Genetics
Classification: Uncertain significance for Cardiovascular phenotype; Hereditary cancer-predisposing syndrome. Last evaluated: 2024-02-27. Review status: criteria provided, single submitter. Criteria: Ambry Variant Classification Scheme 2023. Collection method: clinical testing. Allele origin: germline.
Comment: The p.Y1604C variant (also known as c.4811A>G), located in coding exon 36 of the NF1 gene, results from an A to G substitution at nucleotide position 4811. The tyrosine at codon 1604 is replaced by cysteine, an amino acid with highly dissimilar properties. This amino acid position is conserved. In addition, this alteration is predicted to be deleterious by in silico analysis. Based on the available evidence, the clinical significance of this alteration remains unclear.